The following is an entry in ClinVar:

ClinVar aggregate classification (germline): Uncertain significance (1 of 4 stars; one submission).

Conditions:
Peroxisome biogenesis disorder 11A (Zellweger). Also called: Peroxisome biogenesis disorder 11A. Identifiers: Orphanet 912, MedGen C3554000, MONDO:0013949, OMIM 614883.

Allele frequency attached by ClinVar (database versions not stated): gnomAD exomes 0.00001.
gnomAD v4.1: 9 of 1,614,182 alleles (0.00056%); highest among the groups gnomAD compares: Non-Finnish European, 0.00068%; no homozygotes.

Submission:

Labcorp Genetics (formerly Invitae), Labcorp
Classification: Uncertain significance for Peroxisome biogenesis disorder 11A (Zellweger). Last evaluated: 2023-10-13. Review status: criteria provided, single submitter. Criteria: Invitae Variant Classification Sherloc (09022015). Collection method: clinical testing. Allele origin: germline.
Comment: This sequence change replaces tyrosine, which is neutral and polar, with cysteine, which is neutral and slightly polar, at codon 105 of the PEX13 protein (p.Tyr105Cys). This variant is not present in population databases (gnomAD no frequency). This variant has not been reported in the literature in individuals affected with PEX13-related conditions. ClinVar contains an entry for this variant (Variation ID: 2006762). Advanced modeling of protein sequence and biophysical properties (such as structural, functional, and spatial information, amino acid conservation, physicochemical variation, residue mobility, and thermodynamic stability) performed at Invitae indicates that this missense variant is expected to disrupt PEX13 protein function. In summary, the available evidence is currently insufficient to determine the role of this variant in disease. Therefore, it has been classified as a Variant of Uncertain Significance.

NM_002618.4(PEX13):c.314A>G (p.Tyr105Cys)

Gene: PEX13 (peroxisomal biogenesis factor 13; plus strand). Cytogenetic location: 2p15.
Variant type: single nucleotide variant.
Coding change: c.314A>G on transcript NM_002618.4 (MANE Select); coding-DNA position 314, A replaced by G.
Protein change: p.Tyr105Cys; replaces tyrosine 105 with cysteine.
Molecular consequence: missense variant.
Genome position (GRCh38, 1-based): chr2:61,031,640, A>G. VCF-style: chr2-61031640-A-G. GRCh37 (hg19) VCF-style: chr2-61258775-A-G.
Other names: short protein forms Y105C.
Identifiers: ClinVar variation 2006762 (VCV002006762.3), dbSNP rs1680451793, ClinGen allele CA346942108.